The following is an entry in ClinVar:

ClinVar aggregate classification (germline): Conflicting classifications of pathogenicity. Review status: criteria provided, conflicting classifications (1 of 4 stars). 3 submissions from 3 submitters: Uncertain significance (2); Likely benign (1). Last evaluated 2024-12-27.

Conditions:
Dentici-Novelli neurodevelopmental syndrome. Identifiers: MedGen C5676987, MONDO:0859251, OMIM 619877.
Inborn genetic diseases. Identifiers: MedGen C0950123, MeSH D030342.

Allele frequency attached by ClinVar (database versions not stated): 1000 Genomes Project 30x 0.00016; 1000 Genomes Project 0.00020; gnomAD 0.00039 and 0.00042; TOPMed 0.00045; ESP Exome Variant Server 0.00054; gnomAD exomes 0.00056 and 0.00060; ExAC 0.00071.
gnomAD v4.1: 926 of 1,614,166 alleles (0.057%); highest among the groups gnomAD compares: Non-Finnish European, 0.067%; 1 homozygote.

Submissions (3):

Ambry Genetics
Classification: Likely benign for Inborn genetic diseases. Last evaluated: 2024-12-27. Review status: criteria provided, single submitter. Criteria: Ambry Variant Classification Scheme 2023. Collection method: clinical testing. Allele origin: germline.

Department of Pathology and Laboratory Medicine, Sinai Health System
Classification: Uncertain significance for Dentici-Novelli neurodevelopmental syndrome. Last evaluated: 2023-02-28. Review status: criteria provided, single submitter. Criteria: ACMG Guidelines, 2015. Collection method: research. Allele origin: germline.

Genetic Services Laboratory, University of Chicago
Classification: Uncertain significance. Last evaluated: 2020-05-11. Review status: criteria provided, single submitter. Criteria: ACMG Guidelines, 2015. Collection method: clinical testing. Allele origin: germline. Affected: no.
Comment: DNA sequence analysis of the ZNF526 gene demonstrated a sequence change, c.1055G>A, in exon 3 that results in an amino acid change, p.Arg352Gln. This sequence change does not appear to have been previously described in patients with ZNF526-related disorders and has been described in the gnomAD database with a relatively higher population frequency of 0.082% in the non-Finnish European subpopulation (dbSNP rs144433879). The p.Arg352Gln change affects a highly conserved amino acid residue located in a domain of the ZNF526 protein that is known to be functional. In-silico pathogenicity prediction tools (SIFT, PolyPhen2, Align GVGD, REVEL) provide contradictory results for the p.Arg352Gln substitution. Due to these contrasting evidences and the lack of functional studies, the clinical significance of the p.Arg352Gln change remains unknown at this time.

NM_133444.3(ZNF526):c.1055G>A (p.Arg352Gln)

Gene: ZNF526 (zinc finger protein 526; plus strand). Cytogenetic location: 19q13.2.
Variant type: single nucleotide variant.
Coding change: c.1055G>A on transcript NM_133444.3 (MANE Select); coding-DNA position 1055, G replaced by A.
Protein change: p.Arg352Gln; replaces arginine 352 with glutamine.
Molecular consequence: missense variant.
Genome position (GRCh38, 1-based): chr19:42,225,458, G>A. VCF-style: chr19-42225458-G-A. GRCh37 (hg19) VCF-style: chr19-42729610-G-A.
Other names: c.1055G>A, p.Arg352Gln (NM_001314033.3); short protein forms R352Q.
Identifiers: ClinVar variation 1337565 (VCV001337565.5), dbSNP rs144433879, ClinGen allele CA9470510.